The following is an entry in ClinVar:

NM_003079.5(SMARCE1):c.22G>A (p.Ala8Thr)

Gene: SMARCE1 (SWI/SNF related BAF chromatin remodeling complex subunit E1; minus strand). Cytogenetic location: 17q21.2.
Variant type: single nucleotide variant.
Coding change: c.22G>A on transcript NM_003079.5 (MANE Select); coding-DNA position 22, G replaced by A.
Protein change: p.Ala8Thr; replaces alanine 8 with threonine.
Molecular consequence: missense variant.
Genome position (GRCh38, 1-based): chr17:40,645,605, C>T on the plus strand (G>A on the coding strand, the complement: SMARCE1 is on the minus strand). VCF-style: chr17-40645605-C-T. GRCh37 (hg19) VCF-style: chr17-38801857-C-T.
Other names: short protein forms A8T.
Identifiers: ClinVar variation 2749461 (VCV002749461.4), dbSNP rs2508617552, ClinGen allele CA399371001.
Genomic context (GRCh38, chr17:40,645,605, plus strand): 5'-CTATTACATTAACAAGAAAATTAAAACTTACTGTTGCAGGAGCTGGGGTGGGAGGTGGGG[C>T]ATAAGATGGTCTTTCTGTTTGAAAGAAAATAAATAACTTCTTGTAAACAACTGAGATATA-3'
Protein context (NP_003070.3, residues 1-18): MSKRPSY[Ala8Thr]PPPTPAPATQ

ClinVar aggregate classification (germline): Uncertain significance. Review status: criteria provided, multiple submitters, no conflicts (2 of 4 stars). 2 submissions from 2 submitters: Uncertain significance (2). Last evaluated 2024-03-14.

Conditions:
Hereditary cancer-predisposing syndrome. Also called: Hereditary Cancer Syndrome; Neoplastic Syndromes, Hereditary; Tumor predisposition; Hereditary neoplastic syndrome. Identifiers: Orphanet 140162, MedGen C0027672, MeSH D009386, MONDO:0015356.
Familial meningioma. Also called: Meningioma, familial, susceptibility to. Identifiers: Orphanet 263662, MedGen C3551915, MONDO:0011789, OMIM 607174.

Submissions (2):

Ambry Genetics
Classification: Uncertain significance for Hereditary cancer-predisposing syndrome. Last evaluated: 2024-03-14. Review status: criteria provided, single submitter. Criteria: Ambry Variant Classification Scheme 2023. Collection method: clinical testing. Allele origin: germline.
Comment: The p.A8T variant (also known as c.22G>A), located in coding exon 2 of the SMARCE1 gene, results from a G to A substitution at nucleotide position 22. The alanine at codon 8 is replaced by threonine, an amino acid with similar properties. This amino acid position is highly conserved in available vertebrate species. In addition, this alteration is predicted to be tolerated by in silico analysis. Based on the available evidence, the clinical significance of this alteration remains unclear.

Labcorp Genetics (formerly Invitae), Labcorp
Classification: Uncertain significance for Familial meningioma. Last evaluated: 2023-08-02. Review status: criteria provided, single submitter. Criteria: Invitae Variant Classification Sherloc (09022015). Collection method: clinical testing. Allele origin: germline.
Comment: This sequence change replaces alanine, which is neutral and non-polar, with threonine, which is neutral and polar, at codon 8 of the SMARCE1 protein (p.Ala8Thr). This variant is not present in population databases (gnomAD no frequency). This variant has not been reported in the literature in individuals affected with SMARCE1-related conditions. An algorithm developed to predict the effect of missense changes on protein structure and function (PolyPhen-2) suggests that this variant is likely to be disruptive. In summary, the available evidence is currently insufficient to determine the role of this variant in disease. Therefore, it has been classified as a Variant of Uncertain Significance.